The following is an entry in ClinVar:

ClinVar aggregate classification (germline): Uncertain significance. Review status: criteria provided, multiple submitters, no conflicts (2 of 4 stars). 2 submissions from 2 submitters: Uncertain significance (2). Last evaluated 2025-03-26.

Conditions:
Inborn genetic diseases. Identifiers: MedGen C0950123, MeSH D030342.

Allele frequency attached by ClinVar (database versions not stated): gnomAD 0.00003; TOPMed 0.00003; ExAC 0.00014; 1000 Genomes Project 30x 0.00031.
gnomAD v4.1: 14 of 1,329,696 alleles (0.0011%); highest among the groups gnomAD compares: Admixed American, 0.033%; no homozygotes.

Submissions (2):

Ambry Genetics
Classification: Uncertain significance for Inborn genetic diseases. Last evaluated: 2025-03-26. Review status: criteria provided, single submitter. Criteria: Ambry Variant Classification Scheme 2023. Collection method: clinical testing. Allele origin: germline.

Labcorp Genetics (formerly Invitae), Labcorp
Classification: Uncertain significance. Last evaluated: 2022-08-10. Review status: criteria provided, single submitter. Criteria: Invitae Variant Classification Sherloc (09022015). Collection method: clinical testing. Allele origin: germline.
Comment: In summary, the available evidence is currently insufficient to determine the role of this variant in disease. Therefore, it has been classified as a Variant of Uncertain Significance. Algorithms developed to predict the effect of missense changes on protein structure and function (SIFT, PolyPhen-2, Align-GVGD) all suggest that this variant is likely to be tolerated. This variant has not been reported in the literature in individuals affected with CTBP1-related conditions. The frequency data for this variant in the population databases is considered unreliable, as metrics indicate poor data quality at this position in the gnomAD database. This sequence change replaces serine, which is neutral and polar, with asparagine, which is neutral and polar, at codon 437 of the CTBP1 protein (p.Ser437Asn).

NM_001012614.2(CTBP1):c.1277G>A (p.Ser426Asn)

Genes: CTBP1 (C-terminal binding protein 1; minus strand), CTBP1-AS (CTBP1 antisense RNA; plus strand). Cytogenetic location: 4p16.3.
Variant type: single nucleotide variant.
Coding change: c.1277G>A on transcript NM_001012614.2 (MANE Select); coding-DNA position 1277, G replaced by A.
Protein change: p.Ser426Asn; replaces serine 426 with asparagine.
Molecular consequence: missense variant. On other transcripts: non-coding transcript variant (1).
Genome position (GRCh38, 1-based): chr4:1,212,253, C>T on the plus strand (G>A on the coding strand, the complement: CTBP1 is on the minus strand). VCF-style: chr4-1212253-C-T. GRCh37 (hg19) VCF-style: chr4-1206041-C-T.
Other names: c.1310G>A, p.Ser437Asn (NM_001328.3); c.1313G>A, p.Ser438Asn (NM_001377186.1); c.1280G>A, p.Ser427Asn (NM_001377187.1, NM_001377188.1, NM_001377189.1 and 1 more transcripts); c.1277G>A, p.Ser426Asn (NM_001377191.1, NM_001377192.1, NM_001377193.1); c.1310G>A (NM_001328.2); short protein forms S437N, S438N, S426N, S427N.
Identifiers: ClinVar variation 1979275 (VCV001979275.5), dbSNP rs763759376, ClinGen allele CA2804137.
Genomic context (GRCh38, chr4:1,212,253, plus strand): 5'-TTCCGGGCCCTCTGCCCAGGCGCCGAGGCTGGAGAGCTCCTCCCGGGCTACAACTGGTCA[C>T]TGGCGTGGTCTCTATCCGCCTCGGGCTTGACGGTTTGGCCAGGAGAAGGGGCGTGGGGCG-3'
Protein context (NP_001012632.1, residues 416-429): VKPEADRDHA[Ser426Asn]DQL